The following is an entry in ClinVar:

ClinVar aggregate classification (germline): Pathogenic (1 of 4 stars; one submission).

Conditions:
Glycogen storage disease IXb (GSD9B). Also called: PHOSPHORYLASE KINASE DEFICIENCY OF LIVER AND MUSCLE, AUTOSOMAL RECESSIVE; GLYCOGENOSIS OF LIVER AND MUSCLE, AUTOSOMAL RECESSIVE; GSD IXb. Identifiers: Orphanet 79240, MedGen C0543514, MONDO:0009868, OMIM 261750.

Submission:

Labcorp Genetics (formerly Invitae), Labcorp
Classification: Pathogenic for Glycogen storage disease IXb. Last evaluated: 2022-10-24. Review status: criteria provided, single submitter. Criteria: Invitae Variant Classification Sherloc (09022015). Collection method: clinical testing. Allele origin: germline.
Comment: For these reasons, this variant has been classified as Pathogenic. Algorithms developed to predict the effect of sequence changes on RNA splicing suggest that this variant is not likely to affect RNA splicing. ClinVar contains an entry for this variant (Variation ID: 1070588). This variant has not been reported in the literature in individuals affected with PHKB-related conditions. This variant is not present in population databases (gnomAD no frequency). This sequence change creates a premature translational stop signal (p.Gln799Argfs*5) in the PHKB gene. It is expected to result in an absent or disrupted protein product. Loss-of-function variants in PHKB are known to be pathogenic (PMID: 9215682, 9326319). The PHKB gene has multiple clinically relevant transcripts. This variant occurs in alternate transcript NM_001031835.2, and corresponds to NM_000293.2:c.2427+1045del in the primary transcript.

Literature cited by the submitters: PubMed 9215682; PubMed 9326319.

NM_000293.3(PHKB):c.2427+1045del

Gene: PHKB (phosphorylase kinase regulatory subunit beta; plus strand). Cytogenetic location: 16q12.1.
Variant type: Deletion.
Coding change: c.2427+1045del on transcript NM_000293.3 (MANE Select); 1045 bases into the intron after coding-DNA position 2427, one base deleted (G; older notation c.2427+1045delG).
Molecular consequence: intron variant. On other transcripts: frameshift variant (2).
Genome position (GRCh38, 1-based): chr16:47,666,020, G deleted. VCF-style (leftmost placement, unchanged base first): chr16-47666019-TG-T. GRCh37 (hg19) VCF-style: chr16-47699930-TG-T.
Other names: c.2394del, p.Gln799fs (NM_001031835.3); c.2415del, p.Gln806fs (NM_001363837.1); short protein forms Q799fs, Q806fs.
Identifiers: ClinVar variation 1070588 (VCV001070588.9), dbSNP rs2151739379, ClinGen allele CA2499223533.